The following is an entry in ClinVar:

NM_004415.4(DSP):c.2504C>T (p.Ala835Val)

Gene: DSP (desmoplakin; plus strand). Cytogenetic location: 6p24.3.
Variant type: single nucleotide variant.
Coding change: c.2504C>T on transcript NM_004415.4 (MANE Select); coding-DNA position 2504, C replaced by T.
Protein change: p.Ala835Val; replaces alanine 835 with valine.
Molecular consequence: missense variant.
Genome position (GRCh38, 1-based): chr6:7,575,362, C>T. VCF-style: chr6-7575362-C-T. GRCh37 (hg19) VCF-style: chr6-7575595-C-T.
Other names: c.2504C>T, p.Ala835Val (NM_001008844.3, NM_001319034.2); short protein forms A835V.
Identifiers: ClinVar variation 2925174 (VCV002925174.4), dbSNP rs2533908329, ClinGen allele CA362681488.

ClinVar aggregate classification (germline): Uncertain significance. Review status: criteria provided, multiple submitters, no conflicts (2 of 4 stars). 2 submissions from 2 submitters: Uncertain significance (2). Last evaluated 2024-02-09.

Conditions:
Arrhythmogenic cardiomyopathy with wooly hair and keratoderma. Also called: Dilated cardiomyopathy with woolly hair and keratoderma; Arrhythmogenic cardiomyopathy with woolly hair and keratoderma; PALMOPLANTAR KERATODERMA WITH LEFT VENTRICULAR CARDIOMYOPATHY AND WOOLLY HAIR; Carvajal syndrome. Identifiers: Orphanet 65282, MedGen C1854063, MONDO:0011581, OMIM 605676.
Arrhythmogenic right ventricular dysplasia 8 (ARVD8). Also called: Arrhythmogenic Right Ventricular Dysplasia/Cardiomyopathy 8; ARRHYTHMOGENIC RIGHT VENTRICULAR DYSPLASIA, FAMILIAL, 8; ARRHYTHMOGENIC RIGHT VENTRICULAR CARDIOMYOPATHY 8. Identifiers: MedGen C1843896, MONDO:0011831, OMIM 607450.

Submissions (2):

GeneDx
Classification: Uncertain significance. Last evaluated: 2024-02-09. Review status: criteria provided, single submitter. Criteria: GeneDx Variant Classification Process June 2021. Collection method: clinical testing. Allele origin: germline. Affected: yes.
Comment: Not observed at significant frequency in large population cohorts (gnomAD); In silico analysis supports that this missense variant has a deleterious effect on protein structure/function; Has not been previously published as pathogenic or benign to our knowledge

Labcorp Genetics (formerly Invitae), Labcorp
Classification: Uncertain significance for Arrhythmogenic cardiomyopathy with wooly hair and keratoderma; Arrhythmogenic right ventricular dysplasia 8. Last evaluated: 2024-01-31. Review status: criteria provided, single submitter. Criteria: Invitae Variant Classification Sherloc (09022015). Collection method: clinical testing. Allele origin: germline.
Comment: This sequence change replaces alanine, which is neutral and non-polar, with valine, which is neutral and non-polar, at codon 835 of the DSP protein (p.Ala835Val). This variant is not present in population databases (gnomAD no frequency). This variant has not been reported in the literature in individuals affected with DSP-related conditions. An algorithm developed to predict the effect of missense changes on protein structure and function (PolyPhen-2) suggests that this variant is likely to be tolerated. In summary, the available evidence is currently insufficient to determine the role of this variant in disease. Therefore, it has been classified as a Variant of Uncertain Significance.